The following is an entry in ClinVar:

NM_212482.4(FN1):c.3945T>G (p.Phe1315Leu)

Gene: FN1 (fibronectin 1; minus strand). Cytogenetic location: 2q35.
Variant type: single nucleotide variant.
Coding change: c.3945T>G on transcript NM_212482.4 (MANE Select); coding-DNA position 3945, T replaced by G.
Protein change: p.Phe1315Leu; replaces phenylalanine 1315 with leucine.
Molecular consequence: missense variant. On other transcripts: intron variant (10).
Genome position (GRCh38, 1-based): chr2:215,393,055, A>C on the plus strand (T>G on the coding strand, the complement: FN1 is on the minus strand). VCF-style: chr2-215393055-A-C. GRCh37 (hg19) VCF-style: chr2-216257778-A-C.
Other names: c.3945T>G, p.Phe1315Leu (NM_001306129.2, NM_001306130.2, NM_001365517.2 and 3 more transcripts); c.3945T>G (NM_212482.1); c.3797-1241T>G (NM_212474.3, NM_001306132.2, NM_001365523.2 and 7 more transcripts); short protein forms F1315L.
Identifiers: ClinVar variation 1425614 (VCV001425614.8), dbSNP rs368426539, ClinGen allele CA2094572.
Genomic context (GRCh38, chr2:215,393,055, plus strand): 5'-ATCATAGTCAATGCCCGGCTCCAGCCCTGTGACTGTGTAGTATCCTACTGAGGAGTCCAC[A>C]AAATCTTCAAAAATAGGGATACCTTCTCCTGCCGCAACTACTGTGATGCGGTACCCAATA-3'
Protein context (NP_997647.2, residues 1305-1325): AGEGIPIFED[Phe1315Leu]VDSSVGYYTV

ClinVar aggregate classification (germline): Uncertain significance. Review status: criteria provided, multiple submitters, no conflicts (2 of 4 stars). 3 submissions from 3 submitters: Uncertain significance (3). Last evaluated 2024-10-10.

Conditions:
Spondylometaphyseal dysplasia - Sutcliffe type. Also called: Spondylometaphyseal dysplasia, 'corner fracture' type; Spondylometaphyseal Dysplasia, Corner Fracture Type; Sutcliffe type of spondylometaphyseal dysplasia; Sutcliffe SMD. Identifiers: Orphanet 93315, MedGen C0432221, MONDO:0008479, OMIM 184255.
Glomerulopathy with fibronectin deposits 2 (GFND2). Identifiers: Orphanet 84090, MedGen C1866075, MONDO:0011165, OMIM 601894.
Inborn genetic diseases. Identifiers: MedGen C0950123, MeSH D030342.

Allele frequency attached by ClinVar (database versions not stated): gnomAD 0.00007; gnomAD exomes 0.00007 and 0.00017; TOPMed 0.00008; ExAC 0.00010; ESP Exome Variant Server 0.00025.
gnomAD v4.1: 258 of 1,613,978 alleles (0.016%); highest among the groups gnomAD compares: Non-Finnish European, 0.021%; no homozygotes.

Submissions (3):

Labcorp Genetics (formerly Invitae), Labcorp
Classification: Uncertain significance. Last evaluated: 2024-10-10. Review status: criteria provided, single submitter. Criteria: Invitae Variant Classification Sherloc (09022015). Collection method: clinical testing. Allele origin: germline.
Comment: This sequence change replaces phenylalanine, which is neutral and non-polar, with leucine, which is neutral and non-polar, at codon 1315 of the FN1 protein (p.Phe1315Leu). This variant is present in population databases (rs368426539, gnomAD 0.01%), and has an allele count higher than expected for a pathogenic variant. This variant has not been reported in the literature in individuals affected with FN1-related conditions. ClinVar contains an entry for this variant (Variation ID: 1425614). An algorithm developed to predict the effect of missense changes on protein structure and function (PolyPhen-2) suggests that this variant is likely to be disruptive. In summary, the available evidence is currently insufficient to determine the role of this variant in disease. Therefore, it has been classified as a Variant of Uncertain Significance.

Fulgent Genetics
Classification: Uncertain significance for Spondylometaphyseal dysplasia - Sutcliffe type; Glomerulopathy with fibronectin deposits 2. Last evaluated: 2024-05-24. Review status: criteria provided, single submitter. Criteria: ACMG Guidelines, 2015. Collection method: clinical testing. Allele origin: germline.

Ambry Genetics
Classification: Uncertain significance for Inborn genetic diseases. Last evaluated: 2022-11-10. Review status: criteria provided, single submitter. Criteria: Ambry Variant Classification Scheme 2023. Collection method: clinical testing. Allele origin: germline.